The following is an entry in ClinVar:

ClinVar aggregate classification (germline): Pathogenic (1 of 4 stars; one submission).

Submission:

GeneDx
Classification: Pathogenic. Last evaluated: 2024-02-25. Review status: criteria provided, single submitter. Criteria: GeneDx Variant Classification Process June 2021. Collection method: clinical testing. Allele origin: germline. Affected: yes.
Comment: Frameshift variant predicted to result in protein truncation or nonsense mediated decay in a gene for which loss of function is a known mechanism of disease; Not observed at significant frequency in large population cohorts (gnomAD); Has not been previously published as pathogenic or benign to our knowledge

NM_030632.3(ASXL3):c.1366dup (p.Glu456fs)

Gene: ASXL3 (ASXL transcriptional regulator 3; plus strand). Cytogenetic location: 18q12.1.
Variant type: Duplication.
Coding change: c.1366dup on transcript NM_030632.3 (MANE Select); coding-DNA position 1366, one base duplicated (G; older notation c.1366dupG).
Protein change: p.Glu456fs; shifts the reading frame from glutamic acid 456.
Molecular consequence: frameshift variant.
Genome position (GRCh38, 1-based): chr18:33,738,770, G duplicated. VCF-style (leftmost placement, unchanged base first): chr18-33738769-A-AG. GRCh37 (hg19) VCF-style: chr18-31318733-A-AG.
Other names: short protein forms E456fs.
Identifiers: ClinVar variation 3369612 (VCV003369612.1).
Genomic context (GRCh38, chr18:33,738,769, plus strand): 5'-AGAATTGGAGTCAGAGGATATCTTGATCCCTGAAGAATCTGTAATTCAGGAGGAAATTGC[A>AG]GAAGAGGTAGAGACTAGTATCTGTGAATGCCAGGATGAAAATCATAAGACAATACCTGAA-3'